The following is an entry in ClinVar:

NM_001182.4(ALDH7A1):c.-62G>A

Gene: ALDH7A1 (aldehyde dehydrogenase 7 family member A1; minus strand). Cytogenetic location: 5q23.2.
Variant type: single nucleotide variant.
Coding change: c.-62G>A on transcript NM_001182.4; 62 bases upstream of the start codon, G replaced by A.
Genome position (GRCh38, 1-based): chr5:126,595,260, C>T on the plus strand (G>A on the coding strand, the complement: ALDH7A1 is on the minus strand). VCF-style: chr5-126595260-C-T. GRCh37 (hg19) VCF-style: chr5-125930952-C-T.
Identifiers: ClinVar variation 906243 (VCV000906243.6), dbSNP rs1331630599, ClinGen allele CA360734168.

ClinVar aggregate classification (germline): Uncertain significance (1 of 4 stars; one submission).

Conditions:
Pyridoxine-dependent epilepsy (EPEO4). Also called: Pyridoxine-Dependent Epilepsy - ALDH7A1; EPILEPSY, EARLY-ONSET, 4, VITAMIN B6-DEPENDENT; PYRIDOXINE DEPENDENCY WITH SEIZURES; Pyridoxine-Dependent Seizures. Identifiers: Orphanet 3006, MedGen C1849508, MONDO:0009945, OMIM 266100. Disease mechanism: loss of function.

Allele frequency attached by ClinVar (database versions not stated): gnomAD exomes 0.00002; gnomAD 0.00002; TOPMed 0.00002.

Submission:

Illumina Laboratory Services, Illumina
Classification: Uncertain significance for Pyridoxine-dependent epilepsy. Last evaluated: 2017-04-27. Review status: criteria provided, single submitter. Criteria: ICSL Variant Classification Criteria 13 December 2019. Collection method: clinical testing. Allele origin: germline.
Comment: This variant was observed as part of a predisposition screen in an ostensibly healthy population. A literature search was performed for the gene, cDNA change, and amino acid change (where applicable). Publications were found based on this search. However, the evidence from the literature, in combination with allele frequency data from public databases where available, was not sufficient to rule this variant in or out of causing disease. Therefore, this variant is classified as a variant of unknown significance.

Literature cited by the submitters: PubMed 26891797.